The following is an entry in ClinVar:

ClinVar aggregate classification (germline): Uncertain significance (1 of 4 stars; one submission).

Conditions:
Developmental and epileptic encephalopathy, 53. Also called: Epileptic encephalopathy, early infantile, 53. Identifiers: MedGen C4479313, MONDO:0033362, OMIM 617389.
Early-onset Parkinson disease 20. Also called: PARKINSON DISEASE 20, AUTOSOMAL RECESSIVE EARLY-ONSET. Identifiers: Orphanet 391411, MedGen C3809824, MONDO:0014233, OMIM 615530.

Allele frequency attached by ClinVar (database versions not stated): TOPMed below 0.00001; gnomAD 0.00005.
gnomAD v4.1: 15 of 1,614,102 alleles (0.00093%); highest among the groups gnomAD compares: Admixed American, 0.023%; 1 homozygote.

Submission:

Labcorp Genetics (formerly Invitae), Labcorp
Classification: Uncertain significance for Developmental and epileptic encephalopathy, 53; Early-onset Parkinson disease 20. Last evaluated: 2022-07-06. Review status: criteria provided, single submitter. Criteria: Invitae Variant Classification Sherloc (09022015). Collection method: clinical testing. Allele origin: germline.
Comment: This sequence change replaces proline, which is neutral and non-polar, with arginine, which is basic and polar, at codon 1583 of the SYNJ1 protein (p.Pro1583Arg). This variant is not present in population databases (gnomAD no frequency). This variant has not been reported in the literature in individuals affected with SYNJ1-related conditions. Algorithms developed to predict the effect of missense changes on protein structure and function (SIFT, PolyPhen-2, Align-GVGD) all suggest that this variant is likely to be tolerated. In summary, the available evidence is currently insufficient to determine the role of this variant in disease. Therefore, it has been classified as a Variant of Uncertain Significance.

NM_203446.3(SYNJ1):c.*719C>G

Gene: SYNJ1 (synaptojanin 1; minus strand). Cytogenetic location: 21q22.11.
Variant type: single nucleotide variant.
Coding change: c.*719C>G on transcript NM_203446.3 (MANE Select); 719 bases downstream of the stop codon, C replaced by G.
Molecular consequence: 3 prime UTR variant. On other transcripts: missense variant (2).
Genome position (GRCh38, 1-based): chr21:32,631,086, G>C on the plus strand (C>G on the coding strand, the complement: SYNJ1 is on the minus strand). VCF-style: chr21-32631086-G-C. GRCh37 (hg19) VCF-style: chr21-34003396-G-C.
Other names: c.*719C>G (NM_001160302.2); c.4490C>G, p.Pro1497Arg (NM_001160306.2); c.4748C>G, p.Pro1583Arg (NM_003895.4); short protein forms P1497R, P1583R.
Identifiers: ClinVar variation 2173630 (VCV002173630.1), dbSNP rs770045164, ClinGen allele CA410080715.
Genomic context (GRCh38, chr21:32,631,086, plus strand): 5'-GCCTTAGAGGCCAAGGTCGTGAAAGGATCTACTGGAGGGCTGGTGCCGGGCGGGAGCAGA[G>C]GGACAGGAGGTGGAGGAGGTCTTCTTGACGGCAACACACAGAAGGAGACATTTGTACCTT-3'